The following is an entry in ClinVar:

NM_000393.5(COL5A2):c.852G>A (p.Pro284=)

Gene: COL5A2 (collagen type V alpha 2 chain; minus strand). Cytogenetic location: 2q32.2.
Variant type: single nucleotide variant.
Coding change: c.852G>A on transcript NM_000393.5 (MANE Select); coding-DNA position 852, G replaced by A.
Protein change: p.Pro284=; no amino-acid change (proline 284 retained).
Molecular consequence: synonymous variant.
Genome position (GRCh38, 1-based): chr2:189,083,984, C>T on the plus strand (G>A on the coding strand, the complement: COL5A2 is on the minus strand). VCF-style: chr2-189083984-C-T. GRCh37 (hg19) VCF-style: chr2-189948710-C-T.
Other names: p.Pro284=; c.852G>A (NM_000393.4).
Identifiers: ClinVar variation 857094 (VCV000857094.47), dbSNP rs150092345, ClinGen allele CA2022934.
Genomic context (GRCh38, chr2:189,083,984, plus strand): 5'-TGATTTAATTCAATGTTCTTTATTTTTCAAAGTTTGCCTTTATGTTGAGTATAAACTTAC[C>T]GGAGATCCTGCAAATCCCACTTCACCAGGATTTCCATTTCTGCCAGGTTCACCCTTTATG-3'
Protein context (NP_000384.2, residues 274-294): NPGEVGFAGS[Pro284=]GARGFPGAPG

ClinVar aggregate classification (germline): Conflicting classifications of pathogenicity. Review status: criteria provided, conflicting classifications (1 of 4 stars). 8 submissions from 8 submitters: Uncertain significance (1); Benign (2); Likely benign (5). Last evaluated 2026-04-28.

Conditions:
Ehlers-Danlos syndrome, classic type, 1 (EDSCL1). Also called: Ehlers-Danlos syndrome, type 1; EHLERS-DANLOS SYNDROME, GRAVIS TYPE; EHLERS-DANLOS SYNDROME, SEVERE CLASSIC TYPE; Ehlers-Danlos Syndrome, Classic Type, COL5A1-Related; EDS I. Identifiers: MedGen C0268335, MONDO:0019567, OMIM 130000.
COL5A2-related disorder. Also called: COL5A2-related condition.
Ehlers-Danlos syndrome, classic type, 2 (EDSCL2). Also called: Ehlers-Danlos syndrome type 2 (formerly); Ehlers-Danlos syndrome, type 2; Ehlers-Danlos Syndrome, Classic Type, COL5A2-Related. Identifiers: Orphanet 287, Orphanet 90318, MedGen C0268336, MONDO:0019568, OMIM 130010.
Familial thoracic aortic aneurysm and aortic dissection (TAAD). Also called: Thoracic aortic aneurysms and dissections. Identifiers: Orphanet 91387, MedGen C4707243, MONDO:0019625.

Allele frequency attached by ClinVar (database versions not stated): gnomAD exomes 0.00008; ExAC 0.00009; ESP Exome Variant Server 0.00023; gnomAD 0.00031 and 0.00032; TOPMed 0.00031; 1000 Genomes Project 30x 0.00047; 1000 Genomes Project 0.00060.
gnomAD v4.1: 119 of 1,610,306 alleles (0.0074%); highest among the groups gnomAD compares: African/African-American, 0.077%; 1 homozygote.

Submissions (8):

Ambry Genetics
Classification: Benign for Familial thoracic aortic aneurysm and aortic dissection. Last evaluated: 2026-04-28. Review status: criteria provided, single submitter. Criteria: Ambry Variant Classification Scheme 2023. Collection method: clinical testing. Allele origin: germline.

PreventionGenetics, part of Exact Sciences
Classification: Likely benign for COL5A2-related condition. Last evaluated: 2025-09-26. Review status: criteria provided, single submitter. Criteria: ACMG Guidelines, 2015. Collection method: clinical testing. Allele origin: germline.
Comment: This variant is classified as likely benign based on ACMG/AMP sequence variant interpretation guidelines (Richards et al. 2015 PMID: 25741868, with internal and published modifications).

Women's Health and Genetics/Laboratory Corporation of America, LabCorp
Classification: Benign. Last evaluated: 2025-07-16. Review status: criteria provided, single submitter. Criteria: LabCorp Variant Classification Summary - May 2015. Collection method: clinical testing. Allele origin: germline.
Comment: Variant summary: COL5A2 c.852G>A (p.Pro284Pro) alters a nucleotide located close to a canonical splice site and therefore could affect mRNA splicing, leading to a significantly altered protein sequence. Several computational tools predict a significant impact on normal splicing: One predict the variant abolishes a 5' splicing donor site. Two predict the variant weakens a 5' donor site. One predict the variant no significant impact on splicing. However, these predictions have yet to be confirmed by functional studies. The variant allele was found at a frequency of 7.6e-05 in 251308 control chromosomes, predominantly at a frequency of 0.00068 within the African or African-American subpopulation in the gnomAD database. The observed variant frequency within African or African-American control individuals in the gnomAD database is approximately 21.76 fold of the estimated maximal expected allele frequency for a pathogenic variant in COL5A2 causing Ehlers-Danlos syndrome, classic type, 2 phenotype (3.1e-05). To our knowledge, no occurrence of c.852G>A in individuals affected with Ehlers-Danlos syndrome, classic type, 2 and no experimental evidence demonstrating its impact on protein function have been reported. ClinVar contains an entry for this variant (Variation ID: 857094). Based on the evidence outlined above, the variant was classified as benign.

Labcorp Genetics (formerly Invitae), Labcorp
Classification: Uncertain significance for Ehlers-Danlos syndrome, classic type, 1. Last evaluated: 2025-01-01. Review status: criteria provided, single submitter. Criteria: Invitae Variant Classification Sherloc (09022015). Collection method: clinical testing. Allele origin: germline.
Comment: This sequence change affects codon 284 of the COL5A2 mRNA. It is a 'silent' change, meaning that it does not change the encoded amino acid sequence of the COL5A2 protein. This variant also falls at the last nucleotide of exon 12, which is part of the consensus splice site for this exon. This variant is present in population databases (rs150092345, gnomAD 0.06%), and has an allele count higher than expected for a pathogenic variant. This variant has not been reported in the literature in individuals affected with COL5A2-related conditions. ClinVar contains an entry for this variant (Variation ID: 857094). Variants that disrupt the consensus splice site are a relatively common cause of aberrant splicing (PMID: 17576681, 9536098). Algorithms developed to predict the effect of sequence changes on RNA splicing suggest that this variant is not likely to affect RNA splicing. In summary, the available evidence is currently insufficient to determine the role of this variant in disease. Therefore, it has been classified as a Variant of Uncertain Significance.

Mayo Clinic Laboratories, Mayo Clinic
Classification: Likely benign. Last evaluated: 2024-11-19. Review status: criteria provided, single submitter. Criteria: ACMG Guidelines, 2015. Collection method: clinical testing. Allele origin: germline. Observed: 2 variant alleles.
Comment: BP4

CeGaT Center for Human Genetics Tuebingen
Classification: Likely benign. Last evaluated: 2022-10-01. Review status: criteria provided, single submitter. Criteria: CeGaT Center For Human Genetics Tuebingen Variant Classification Criteria Version 2. Collection method: clinical testing. Allele origin: germline. Affected: yes. Observed: 1 variant allele.
Comment: COL5A2: BP4, BP7

GeneDx
Classification: Likely benign. Last evaluated: 2020-07-30. Review status: criteria provided, single submitter. Criteria: GeneDx Variant Classification Process June 2021. Collection method: clinical testing. Allele origin: germline. Affected: yes.

ARUP Laboratories, Molecular Genetics and Genomics, ARUP Laboratories
Classification: Likely benign for Ehlers-Danlos syndrome, classic type, 2. Last evaluated: 2019-10-29. Review status: criteria provided, single submitter. Criteria: ARUP Molecular Germline Variant Investigation Process. Collection method: clinical testing. Allele origin: germline.

Literature cited by the submitters: PubMed 17576681 (cited by Labcorp Genetics (formerly Invitae), Labcorp); PubMed 9536098 (cited by Labcorp Genetics (formerly Invitae), Labcorp).